The following is an entry in ClinVar:

NC_012920.1(MT-ATP6):m.8921G>A

Gene: MT-ATP6 (mitochondrially encoded ATP synthase 6; plus strand).
Variant type: single nucleotide variant.
Genome position: chrM-8921-G-A.
Identifiers: ClinVar variation 693023 (VCV000693023.1), dbSNP rs2298008, ClinGen allele CA337098109.
Genomic context (GRCh38, chrMT:8,921, plus strand): 5'-CAGTGATTATAGGCTTTCGCTCTAAGATTAAAAATGCCCTAGCCCACTTCTTACCACAAG[G>A]CACACCTACACCCCTTATCCCCATACTAGTTATTATCGAAACCATCAGCCTACTCATTCA-3'

ClinVar aggregate classification (germline): Uncertain significance (1 of 4 stars; one submission).

Conditions:
Leigh syndrome (NULS). Also called: Leigh's necrotizing encephalopathy; Leigh's disease; Leigh Syndrome (mtDNA deletion); Leigh Disease; Subacute necrotizing encephalopathy; Necrotizing encephalopathy infantile subacute of Leigh. Identifiers: Orphanet 506, MedGen C2931891, MONDO:0009723, OMIM 256000.

Submission:

Wong Mito Lab, Molecular and Human Genetics, Baylor College of Medicine
Classification: Uncertain significance for Leigh syndrome. Last evaluated: 2019-10-17. Review status: criteria provided, single submitter. Criteria: Modified ACMG Guidelines (Unpublished). Collection method: clinical testing. Allele origin: germline.
Comment: The NC_012920.1:m.8921G>A (YP_003024031.1:p.Gly132Asp) variant in MTATP6 gene is interpretated to be a Uncertain Significance variant based on the modified ACMG guidelines (unpublished). This variant meets the following evidence codes: PP3, PP6, BS1, BP5